The following is an entry in ClinVar:

ClinVar aggregate classification (germline): Uncertain significance. Review status: criteria provided, multiple submitters, no conflicts (2 of 4 stars). 3 submissions from 3 submitters: Uncertain significance (2). 1 of the submissions does not count toward it. Last evaluated 2024-12-02.

Conditions:
Cohen syndrome (COH1). Also called: PEPPER SYNDROME; Cutis verticis gyrata, retinitis pigmentosa, and sensorineural deafness. Identifiers: Orphanet 193, MedGen C0265223, MONDO:0008999, OMIM 216550.
VPS13B-related disorder. Also called: VPS13B-related condition.

Submissions (3):

Labcorp Genetics (formerly Invitae), Labcorp
Classification: Uncertain significance for Cohen syndrome. Last evaluated: 2024-12-02. Review status: criteria provided, single submitter. Criteria: Invitae Variant Classification Sherloc (09022015). Collection method: clinical testing. Allele origin: germline.
Comment: This sequence change creates a premature translational stop signal (p.Asn4014Lysfs*3) in the VPS13B gene. While this is not anticipated to result in nonsense mediated decay, it is expected to disrupt the last 9 amino acid(s) of the VPS13B protein. This variant is present in population databases (rs775983320, gnomAD 0.01%). This variant has not been reported in the literature in individuals affected with VPS13B-related conditions. ClinVar contains an entry for this variant (Variation ID: 2046750). In summary, the available evidence is currently insufficient to determine the role of this variant in disease. Therefore, it has been classified as a Variant of Uncertain Significance.

Blueprint Genetics
Classification: Uncertain significance. Last evaluated: 2020-01-21. Review status: criteria provided, single submitter. Criteria: ACMG Guidelines, 2015. Collection method: clinical testing. Allele origin: germline.

PreventionGenetics, part of Exact Sciences
Classification: Uncertain significance for VPS13B-related condition. Last evaluated: 2024-08-07. Review status: no assertion criteria provided. Collection method: clinical testing. Allele origin: germline. Not counted in ClinVar's aggregate classification.
Comment: The VPS13B c.11967_11970delTAAA variant is predicted to result in a frameshift and premature protein termination (p.Asn3989Lysfs*3). To our knowledge, this variant has not been reported in the literature. This variant is reported in 0.0099% of alleles in individuals of Ashkenazi Jewish descent in gnomAD. While nonsense variants in VPS13B are expected to be pathogenic, this variant is located in the terminal exon and is not predicted to cause nonsense mediated decay of the transcript. At this time, the clinical significance of this variant is uncertain due to the absence of conclusive functional and genetic evidence.

NM_152564.5(VPS13B):c.11967_11970del (p.Asn3989fs)

Gene: VPS13B (vacuolar protein sorting 13 homolog B; plus strand). Cytogenetic location: 8q22.2.
Variant type: Deletion.
Coding change: c.11967_11970del on transcript NM_152564.5 (MANE Select); coding-DNA positions 11967 to 11970, 4 bases deleted (TAAA; older notation c.11967_11970delTAAA).
Protein change: p.Asn3989fs; shifts the reading frame from asparagine 3989.
Molecular consequence: frameshift variant.
Genome position (GRCh38, 1-based): chr8:99,875,639-99,875,642, TAAA deleted; deleting any 4 consecutive bases within chr8:99,875,636-99,875,642 gives the same sequence; the c. name uses the placement nearest the transcript's 3' end. VCF-style (leftmost placement, unchanged base first): chr8-99875635-AAAAT-A. GRCh37 (hg19) VCF-style: chr8-100887863-AAAAT-A.
Other names: c.12042_12045del, p.Asn4014fs (NM_017890.5); short protein forms N4014fs, N3989fs.
Identifiers: ClinVar variation 2046750 (VCV002046750.4), dbSNP rs769983613, ClinGen allele CA4825383.